The following is an entry in ClinVar:

NM_000540.3(RYR1):c.5132A>C (p.Tyr1711Ser)

Gene: RYR1 (ryanodine receptor 1; plus strand). Cytogenetic location: 19q13.2.
Variant type: single nucleotide variant.
Coding change: c.5132A>C on transcript NM_000540.3 (MANE Select); coding-DNA position 5132, A replaced by C.
Protein change: p.Tyr1711Ser; replaces tyrosine 1711 with serine.
Molecular consequence: missense variant.
Genome position (GRCh38, 1-based): chr19:38,485,787, A>C. VCF-style: chr19-38485787-A-C. GRCh37 (hg19) VCF-style: chr19-38976427-A-C.
Other names: c.5132A>C, p.Tyr1711Ser (NM_001042723.2); short protein forms Y1711S.
Identifiers: ClinVar variation 382697 (VCV000382697.11), dbSNP rs754785770, ClinGen allele CA16607793.

ClinVar aggregate classification (germline): Uncertain significance. Review status: criteria provided, multiple submitters, no conflicts (2 of 4 stars). 3 submissions from 3 submitters: Uncertain significance (3). Last evaluated 2025-07-16.

Conditions:
RYR1-related disorder. Also called: RYR1-related condition; RYR1-related disorders. Identifiers: MedGen CN239331.
Malignant hyperthermia, susceptibility to, 1 (MHS1). Also called: RYR1-Related Malignant Hyperthermia Susceptibility; Malignant hyperthermia suceptibility 1; Anesthesia related hyperthermia; Malignant hyperpyrexia; Fulminating hyperpyrexia; Pharmacogenic myopathy. Identifiers: Orphanet 423, MedGen C2930980, MONDO:0007783, OMIM 145600.

Allele frequency attached by ClinVar (database versions not stated): TOPMed 0.00002.
gnomAD v4.1: 1 of 1,613,206 alleles (0.000062%); highest among the groups gnomAD compares: Non-Finnish European, 0.000085%; no homozygotes.

Submissions (3):

Color Diagnostics, LLC DBA Color Health
Classification: Uncertain significance for Malignant hyperthermia, susceptibility to, 1. Last evaluated: 2025-07-16. Review status: criteria provided, single submitter. Criteria: ACMG Guidelines, 2015. Collection method: clinical testing. Allele origin: germline.
Comment: This missense variant replaces tyrosine with serine at codon 1711 of the RYR1 protein. Computational prediction is inconclusive about the impact of this variant on protein structure and function. To our knowledge, functional studies have not been reported for this variant. This variant has not been reported in individuals affected with RYR1-related disorders in the literature. This variant has not been identified in the general population by the Genome Aggregation Database (gnomAD). The available evidence is insufficient to determine the role of this variant in disease conclusively. Therefore, this variant is classified as a Variant of Uncertain Significance.

Labcorp Genetics (formerly Invitae), Labcorp
Classification: Uncertain significance for RYR1-related disorder. Last evaluated: 2022-10-05. Review status: criteria provided, single submitter. Criteria: Invitae Variant Classification Sherloc (09022015). Collection method: clinical testing. Allele origin: germline.
Comment: This sequence change replaces tyrosine, which is neutral and polar, with serine, which is neutral and polar, at codon 1711 of the RYR1 protein (p.Tyr1711Ser). The frequency data for this variant in the population databases is considered unreliable, as metrics indicate poor data quality at this position in the gnomAD database. This variant has not been reported in the literature in individuals affected with RYR1-related conditions. ClinVar contains an entry for this variant (Variation ID: 382697). Advanced modeling of protein sequence and biophysical properties (such as structural, functional, and spatial information, amino acid conservation, physicochemical variation, residue mobility, and thermodynamic stability) has been performed at Invitae for this missense variant, however the output from this modeling did not meet the statistical confidence thresholds required to predict the impact of this variant on RYR1 protein function. In summary, the available evidence is currently insufficient to determine the role of this variant in disease. Therefore, it has been classified as a Variant of Uncertain Significance.

GeneDx
Classification: Uncertain significance. Last evaluated: 2017-01-16. Review status: criteria provided, single submitter. Criteria: GeneDx Variant Classification (06012015). Collection method: clinical testing. Allele origin: germline. Affected: yes.
Comment: The Y1711S variant in the RYR1 gene has not been reported previously as a pathogenic variant, nor as a benign variant, to our knowledge. This variant was not observed in approximately 6500 individuals of European and African American ancestry in the NHLBI Exome Sequencing Project, indicating it is not a common benign variant in these populations. The Y1711S variant is a semi-conservative amino acid substitution, which may impact secondary protein structure as these residues differ in some properties. This substitution occurs at a position that is conserved across species, and in silico analysis predicts this variant is probably damaging to the protein structure/function. We interpret Y1711S as a variant of uncertain significance.